The following is an entry in ClinVar:

ClinVar aggregate classification (germline): Uncertain significance (1 of 4 stars; one submission).

Submission:

Labcorp Genetics (formerly Invitae), Labcorp
Classification: Uncertain significance. Last evaluated: 2024-05-15. Review status: criteria provided, single submitter. Criteria: Invitae Variant Classification Sherloc (09022015). Collection method: clinical testing. Allele origin: germline.
Comment: This sequence change replaces leucine, which is neutral and non-polar, with phenylalanine, which is neutral and non-polar, at codon 238 of the APOA1 protein (p.Leu238Phe). This variant is not present in population databases (gnomAD no frequency). This variant has not been reported in the literature in individuals affected with APOA1-related conditions. Advanced modeling of protein sequence and biophysical properties (such as structural, functional, and spatial information, amino acid conservation, physicochemical variation, residue mobility, and thermodynamic stability) performed at Invitae indicates that this missense variant is not expected to disrupt APOA1 protein function with a negative predictive value of 80%. In summary, the available evidence is currently insufficient to determine the role of this variant in disease. Therefore, it has been classified as a Variant of Uncertain Significance.

NM_000039.3(APOA1):c.712C>T (p.Leu238Phe)

Gene: APOA1 (apolipoprotein A1; minus strand). Cytogenetic location: 11q23.3.
Variant type: single nucleotide variant.
Coding change: c.712C>T on transcript NM_000039.3 (MANE Select); coding-DNA position 712, C replaced by T.
Protein change: p.Leu238Phe; replaces leucine 238 with phenylalanine.
Molecular consequence: missense variant.
Genome position (GRCh38, 1-based): chr11:116,835,900, G>A on the plus strand (C>T on the coding strand, the complement: APOA1 is on the minus strand). VCF-style: chr11-116835900-G-A. GRCh37 (hg19) VCF-style: chr11-116706616-G-A.
Other names: c.385C>T, p.Leu129Phe (NM_001425091.1, NM_001425092.1, NM_001318021.2); c.667C>T, p.Leu223Phe (NM_001425093.1); c.712C>T, p.Leu238Phe (NM_001318017.2, NM_001318018.2, NM_001425090.1); short protein forms L129F, L238F, L223F.
Identifiers: ClinVar variation 3653474 (VCV003653474.2).